The following is an entry in ClinVar:

ClinVar aggregate classification (germline): Uncertain significance (1 of 4 stars; one submission).

Submission:

GeneDx
Classification: Uncertain significance. Last evaluated: 2023-09-24. Review status: criteria provided, single submitter. Criteria: GeneDx Variant Classification Process June 2021. Collection method: clinical testing. Allele origin: germline. Affected: yes.
Comment: Frameshift variant predicted to result in protein truncation or nonsense mediated decay in a gene or region of a gene for which loss of function is not a well-established mechanism of disease; Not observed at significant frequency in large population cohorts (gnomAD); Has not been previously published as pathogenic or benign to our knowledge; Variants in candidate genes are classified as variants of uncertain significance in accordance with ACMG guidelines (Richards et al., 2015)

NM_032242.4(PLXNA1):c.5164del (p.Leu1722fs)

Gene: PLXNA1 (plexin A1; plus strand). Cytogenetic location: 3q21.3.
Variant type: Deletion.
Coding change: c.5164del on transcript NM_032242.4 (MANE Select); coding-DNA position 5164, one base deleted (C; older notation c.5164delC).
Protein change: p.Leu1722fs; shifts the reading frame from leucine 1722.
Molecular consequence: frameshift variant.
Genome position (GRCh38, 1-based): chr3:127,030,345, C deleted; the last of 2 consecutive C bases (chr3:127,030,344-127,030,345); deleting either gives the same sequence. VCF-style (leftmost placement, unchanged base first): chr3-127030343-TC-T. GRCh37 (hg19) VCF-style: chr3-126749186-TC-T.
Other names: short protein forms L1722fs.
Identifiers: ClinVar variation 4686781 (VCV004686781.1).